The following is an entry in ClinVar:

ClinVar aggregate classification (germline): Uncertain significance. Review status: criteria provided, multiple submitters, no conflicts (2 of 4 stars). 2 submissions from 2 submitters: Uncertain significance (2). Last evaluated 2024-12-06.

Conditions:
Inborn genetic diseases. Identifiers: MedGen C0950123, MeSH D030342.

gnomAD v4.1: 1 of 1,613,852 alleles (0.000062%); highest among the groups gnomAD compares: Non-Finnish European, 0.000085%; no homozygotes.

Submissions (2):

GeneDx
Classification: Uncertain significance. Last evaluated: 2024-12-06. Review status: criteria provided, single submitter. Criteria: GeneDx Variant Classification Process June 2021. Collection method: clinical testing. Allele origin: germline. Affected: yes.
Comment: Has not been previously published as pathogenic or benign to our knowledge; Not observed at significant frequency in large population cohorts (gnomAD); In silico analysis indicates that this missense variant does not alter protein structure/function

Ambry Genetics
Classification: Uncertain significance for Inborn genetic diseases. Last evaluated: 2024-03-30. Review status: criteria provided, single submitter. Criteria: Ambry Variant Classification Scheme 2023. Collection method: clinical testing. Allele origin: germline.

NM_024077.5(SECISBP2):c.2395C>A (p.Gln799Lys)

Gene: SECISBP2 (SECIS binding protein 2; plus strand). Cytogenetic location: 9q22.2.
Variant type: single nucleotide variant.
Coding change: c.2395C>A on transcript NM_024077.5 (MANE Select); coding-DNA position 2395, C replaced by A.
Protein change: p.Gln799Lys; replaces glutamine 799 with lysine.
Molecular consequence: missense variant.
Genome position (GRCh38, 1-based): chr9:89,358,125, C>A. VCF-style: chr9-89358125-C-A. GRCh37 (hg19) VCF-style: chr9-91973040-C-A.
Other names: c.2392C>A, p.Gln798Lys (NM_001282688.2); c.2176C>A, p.Gln726Lys (NM_001282689.2); c.2191C>A, p.Gln731Lys (NM_001282690.1); c.2278C>A, p.Gln760Lys (NM_001354696.2); c.2281C>A, p.Gln761Lys (NM_001354697.2); c.2188C>A, p.Gln730Lys (NM_001354698.2); c.1510C>A, p.Gln504Lys (NM_001354702.2); c.2395C>A (NM_024077.4); short protein forms Q726K, Q730K, Q731K, Q760K, Q761K, Q799K, Q798K, Q504K.
Identifiers: ClinVar variation 3317179 (VCV003317179.2).